The following is an entry in ClinVar:

NM_001931.5(DLAT):c.489C>T (p.Ile163=)

Gene: DLAT (dihydrolipoamide S-acetyltransferase; plus strand). Cytogenetic location: 11q23.1.
Variant type: single nucleotide variant.
Coding change: c.489C>T on transcript NM_001931.5 (MANE Select); coding-DNA position 489, C replaced by T.
Protein change: p.Ile163=; no amino-acid change (isoleucine 163 retained).
Molecular consequence: synonymous variant. On other transcripts: missense variant (1), non-coding transcript variant (1), intron variant (2).
Genome position (GRCh38, 1-based): chr11:112,028,622, C>T. VCF-style: chr11-112028622-C-T. GRCh37 (hg19) VCF-style: chr11-111899346-C-T.
Other names: c.489C>T (NM_001931.4); c.489C>T, p.Ile163= (NM_001372031.1, NM_001372032.1, NM_001372033.1 and 3 more transcripts); c.456C>T, p.Ile152= (NM_001372034.1); c.363C>T, p.Ile121= (NM_001372036.1); c.321C>T, p.Ile107= (NM_001372037.1); c.23C>T, p.Ser8Phe (NM_001372042.1); c.381+2323C>T (NM_001372038.1); c.364+2340C>T (NM_001372040.1); short protein forms S8F.
Identifiers: ClinVar variation 2074455 (VCV002074455.6), dbSNP rs781840468, ClinGen allele CA6276675.

ClinVar aggregate classification (germline): Likely benign. Review status: criteria provided, single submitter (1 of 4 stars). 2 submissions from 2 submitters: Likely benign (1). 1 of the submissions does not count toward it. Last evaluated 2022-05-20.

Conditions:
Pyruvate dehydrogenase E2 deficiency (PDHDD). Also called: Dihydrolipoamide Acetyltransferase (E2) Deficiency; LACTIC ACIDEMIA DUE TO DEFECT OF E2 LIPOYL TRANSACETYLASE OF THE PYRUVATE DEHYDROGENASE COMPLEX. Identifiers: Orphanet 765, Orphanet 79244, MedGen C1855565, MONDO:0009502, OMIM 245348.
DLAT-related disorder. Also called: DLAT-related condition.

Allele frequency attached by ClinVar (database versions not stated): TOPMed 0.00001; ExAC 0.00001.
gnomAD v4.1: 6 of 1,614,108 alleles (0.00037%); highest among the groups gnomAD compares: Non-Finnish European, 0.00051%; no homozygotes.

Submissions (2):

Labcorp Genetics (formerly Invitae), Labcorp
Classification: Likely benign for Pyruvate dehydrogenase E2 deficiency. Last evaluated: 2022-05-20. Review status: criteria provided, single submitter. Criteria: Invitae Variant Classification Sherloc (09022015). Collection method: clinical testing. Allele origin: germline.

PreventionGenetics, part of Exact Sciences
Classification: Likely benign for DLAT-related condition. Last evaluated: 2020-01-27. Review status: no assertion criteria provided. Collection method: clinical testing. Allele origin: germline. Not counted in ClinVar's aggregate classification.
Comment: This variant is classified as likely benign based on ACMG/AMP sequence variant interpretation guidelines (Richards et al. 2015 PMID: 25741868, with internal and published modifications).